The following is an entry in ClinVar:

NM_000430.4(PAFAH1B1):c.1112del (p.Arg371fs)

Gene: PAFAH1B1 (platelet activating factor acetylhydrolase 1b regulatory subunit 1; plus strand). Cytogenetic location: 17p13.3.
Variant type: Deletion.
Coding change: c.1112del on transcript NM_000430.4 (MANE Select); coding-DNA position 1112, one base deleted (G; older notation c.1112delG).
Protein change: p.Arg371fs; shifts the reading frame from arginine 371.
Molecular consequence: frameshift variant.
Genome position (GRCh38, 1-based): chr17:2,680,273, G deleted. VCF-style (leftmost placement, unchanged base first): chr17-2680272-CG-C. GRCh37 (hg19) VCF-style: chr17-2583566-CG-C.
Other names: short protein forms R371fs.
Identifiers: ClinVar variation 2023426 (VCV002023426.4), dbSNP rs2544121801, ClinGen allele CA2580092476.
Genomic context (GRCh38, chr17:2,680,272, plus strand): 5'-AAGTTTATTTTGAGTTGTGCTGATGACAAGACCCTACGCGTATGGGATTACAAGAACAAG[CG>C]ATGCATGAAGACCCTCAATGCGCATGAACACTTTGTTACCTCCTTGGGTATGTACGCCTC-3'

ClinVar aggregate classification (germline): Pathogenic (1 of 4 stars; one submission).

Submission:

Labcorp Genetics (formerly Invitae), Labcorp
Classification: Pathogenic. Last evaluated: 2025-02-24. Review status: criteria provided, single submitter. Criteria: Invitae Variant Classification Sherloc (09022015). Collection method: clinical testing. Allele origin: germline.
Comment: This sequence change creates a premature translational stop signal (p.Arg371Hisfs*3) in the PAFAH1B1 gene. While this is not anticipated to result in nonsense mediated decay, it is expected to disrupt the last 40 amino acid(s) of the PAFAH1B1 protein. This variant is not present in population databases (gnomAD no frequency). This variant has not been reported in the literature in individuals affected with PAFAH1B1-related conditions. ClinVar contains an entry for this variant (Variation ID: 2023426). This variant disrupts a region of the PAFAH1B1 protein in which other variant(s) (p.His389Tyr) have been determined to be pathogenic (PMID: 19808989). This suggests that this is a clinically significant region of the protein, and that variants that disrupt it are likely to be disease-causing. For these reasons, this variant has been classified as Pathogenic.

Literature cited by the submitters: PubMed 19808989.